The following is an entry in ClinVar:

NM_002485.5(NBN):c.750G>T (p.Arg250Ser)

Gene: NBN (nibrin; minus strand). Cytogenetic location: 8q21.3.
Variant type: single nucleotide variant.
Coding change: c.750G>T on transcript NM_002485.5 (MANE Select); coding-DNA position 750, G replaced by T.
Protein change: p.Arg250Ser; replaces arginine 250 with serine.
Molecular consequence: missense variant.
Genome position (GRCh38, 1-based): chr8:89,970,510, C>A on the plus strand (G>T on the coding strand, the complement: NBN is on the minus strand). VCF-style: chr8-89970510-C-A. GRCh37 (hg19) VCF-style: chr8-90982738-C-A.
Other names: c.504G>T, p.Arg168Ser (NM_001024688.3); short protein forms R250S, R168S.
Identifiers: ClinVar variation 423318 (VCV000423318.18), dbSNP rs758852942, ClinGen allele CA4802890.

ClinVar aggregate classification (germline): Uncertain significance. Review status: criteria provided, multiple submitters, no conflicts (2 of 4 stars). 4 submissions from 4 submitters: Uncertain significance (4). Last evaluated 2025-11-17.

Conditions:
Microcephaly, normal intelligence and immunodeficiency (NBS). Also called: BERLIN BREAKAGE SYNDROME; SEEMANOVA SYNDROME II; Immunodeficiency, microcephaly with normal intelligence; Nijmegen breakage syndrome; Microcephaly with normal intelligence immunodeficiency and lymphoreticular malignancies; Nonsyndromal microcephaly autosomal recessive with normal intelligence. Identifiers: Orphanet 647, MedGen C0398791, MONDO:0009623, OMIM 251260.
Hereditary cancer-predisposing syndrome. Also called: Hereditary neoplastic syndrome; Hereditary Cancer Syndrome; Neoplastic Syndromes, Hereditary; Tumor predisposition. Identifiers: Orphanet 140162, MedGen C0027672, MeSH D009386, MONDO:0015356.

Allele frequency attached by ClinVar (database versions not stated): ExAC 0.00001; gnomAD 0.00003.
gnomAD v4.1: 4 of 1,613,794 alleles (0.00025%); highest among the groups gnomAD compares: Non-Finnish European, 0.00034%; no homozygotes.

Submissions (4):

Ambry Genetics
Classification: Uncertain significance for Hereditary cancer-predisposing syndrome. Last evaluated: 2025-11-17. Review status: criteria provided, single submitter. Criteria: Ambry Variant Classification Scheme 2023. Collection method: clinical testing. Allele origin: germline.
Comment: The p.R250S variant (also known as c.750G>T), located in coding exon 7 of the NBN gene, results from a G to T substitution at nucleotide position 750. The arginine at codon 250 is replaced by serine, an amino acid with dissimilar properties. This amino acid position is not well conserved in available vertebrate species. In addition, this alteration is predicted to be tolerated by in silico analysis. Since supporting evidence is limited at this time, the clinical significance of this alteration remains unclear.

Genome-Nilou Lab
Classification: Uncertain significance for Microcephaly, normal intelligence and immunodeficiency. Last evaluated: 2021-11-07. Review status: criteria provided, single submitter. Criteria: ACMG Guidelines, 2015. Collection method: clinical testing. Allele origin: germline. Affected: no.

Labcorp Genetics (formerly Invitae), Labcorp
Classification: Uncertain significance for Microcephaly, normal intelligence and immunodeficiency. Last evaluated: 2021-06-29. Review status: criteria provided, single submitter. Criteria: Invitae Variant Classification Sherloc (09022015). Collection method: clinical testing. Allele origin: germline.
Comment: This sequence change replaces arginine with serine at codon 250 of the NBN protein (p.Arg250Ser). The arginine residue is weakly conserved and there is a moderate physicochemical difference between arginine and serine. This variant is present in population databases (rs758852942, ExAC 0.002%). This variant has not been reported in the literature in individuals with NBN-related disease. ClinVar contains an entry for this variant (Variation ID: 423318). Algorithms developed to predict the effect of missense changes on protein structure and function (SIFT, PolyPhen-2, Align-GVGD) all suggest that this variant is likely to be tolerated, but these predictions have not been confirmed by published functional studies and their clinical significance is uncertain. In summary, the available evidence is currently insufficient to determine the role of this variant in disease. Therefore, it has been classified as a Variant of Uncertain Significance.

GeneDx
Classification: Uncertain significance. Last evaluated: 2017-02-01. Review status: criteria provided, single submitter. Criteria: GeneDx Variant Classification (06012015). Collection method: clinical testing. Allele origin: germline. Affected: yes.
Comment: This variant is denoted NBN c.750G>T at the cDNA level, p.Arg250Ser (R250S) at the protein level, and results in the change of an Arginine to a Serine (AGG>AGT). This variant has not, to our knowledge, been published in the literature as pathogenic or benign. NBN Arg250Ser was not observed in approximately 6,500 individuals of European and African American ancestry in the NHLBI Exome Sequencing Project, suggesting it is not a common benign variant in these populations. Since Arginine and Serine differ in some properties, this is considered a semi-conservative amino acid substitution. NBN Arg250Ser occurs at a position where amino acids with properties similar to Arginine are tolerated across species and is located in the BRCT2 domian (Damiola 2014). In silico analyses are inconsistent regarding the effect this variant may have on protein structure and function. Based on currently available evidence, it is unclear whether NBN Arg250Ser is a pathogenic or benign variant. We consider it to be a variant of uncertain significance.